The following is an entry in ClinVar:

NM_203446.3(SYNJ1):c.3880C>T (p.His1294Tyr)

Gene: SYNJ1 (synaptojanin 1; minus strand). Cytogenetic location: 21q22.11.
Variant type: single nucleotide variant.
Coding change: c.3880C>T on transcript NM_203446.3 (MANE Select); coding-DNA position 3880, C replaced by T.
Protein change: p.His1294Tyr; replaces histidine 1294 with tyrosine.
Molecular consequence: missense variant.
Genome position (GRCh38, 1-based): chr21:32,638,943, G>A on the plus strand (C>T on the coding strand, the complement: SYNJ1 is on the minus strand). VCF-style: chr21-32638943-G-A. GRCh37 (hg19) VCF-style: chr21-34011253-G-A.
Other names: c.3832C>T, p.His1278Tyr (NM_001160302.2); c.3739C>T, p.His1247Tyr (NM_001160306.2); c.3997C>T, p.His1333Tyr (NM_003895.4); short protein forms H1247Y, H1294Y, H1333Y, H1278Y.
Identifiers: ClinVar variation 1978824 (VCV001978824.2), dbSNP rs199989805, ClinGen allele CA10003228.
Genomic context (GRCh38, chr21:32,638,943, plus strand): 5'-ATTTTGTGTAACAAATGAGACTTACTTGCGGTTGTGAGGAAGCTTCTGAAGGCAAGCTAT[G>A]GGATGACCTGCTTCGAGGTGGTGGTTGTGGTGGGGTTTCCAAATTTGGCTGGGGGCCAGA-3'
Protein context (NP_982271.3, residues 1284-1304): PQPPPRSRSS[His1294Tyr]SLPSEASSQP

ClinVar aggregate classification (germline): Uncertain significance (1 of 4 stars; one submission).

Conditions:
Developmental and epileptic encephalopathy, 53. Also called: Epileptic encephalopathy, early infantile, 53. Identifiers: MedGen C4479313, MONDO:0033362, OMIM 617389.
Early-onset Parkinson disease 20. Also called: PARKINSON DISEASE 20, AUTOSOMAL RECESSIVE EARLY-ONSET. Identifiers: Orphanet 391411, MedGen C3809824, MONDO:0014233, OMIM 615530.

Allele frequency attached by ClinVar (database versions not stated): gnomAD 0.00001; gnomAD exomes 0.00001; ExAC 0.00002; TOPMed 0.00003.
gnomAD v4.1: 14 of 1,613,328 alleles (0.00087%); highest among the groups gnomAD compares: Middle Eastern, 0.016%; no homozygotes.

Submission:

Labcorp Genetics (formerly Invitae), Labcorp
Classification: Uncertain significance for Developmental and epileptic encephalopathy, 53; Early-onset Parkinson disease 20. Last evaluated: 2024-10-22. Review status: criteria provided, single submitter. Criteria: Invitae Variant Classification Sherloc (09022015). Collection method: clinical testing. Allele origin: germline.
Comment: This sequence change replaces histidine, which is basic and polar, with tyrosine, which is neutral and polar, at codon 1333 of the SYNJ1 protein (p.His1333Tyr). This variant is present in population databases (rs199989805, gnomAD 0.003%). This variant has not been reported in the literature in individuals affected with SYNJ1-related conditions. ClinVar contains an entry for this variant (Variation ID: 1978824). Invitae Evidence Modeling of protein sequence and biophysical properties (such as structural, functional, and spatial information, amino acid conservation, physicochemical variation, residue mobility, and thermodynamic stability) indicates that this missense variant is not expected to disrupt SYNJ1 protein function with a negative predictive value of 80%. In summary, the available evidence is currently insufficient to determine the role of this variant in disease. Therefore, it has been classified as a Variant of Uncertain Significance.